The following is an entry in ClinVar:

ClinVar aggregate classification (germline): Likely benign (0 of 4 stars; one submission).

Conditions:
PLXNA3-related disorder. Also called: PLXNA3-related condition.

Allele frequency attached by ClinVar (database versions not stated): gnomAD exomes below 0.00001; gnomAD 0.00002; TOPMed 0.00002; ESP Exome Variant Server 0.00009.
gnomAD v4.1: 8 of 1,207,048 alleles (0.00066%); highest among the groups gnomAD compares: African/African-American, 0.0035%; no homozygotes.

Submission:

PreventionGenetics, part of Exact Sciences
Classification: Likely benign for PLXNA3-related condition. Last evaluated: 2019-06-17. Review status: no assertion criteria provided. Collection method: clinical testing. Allele origin: germline.
Comment: This variant is classified as likely benign based on ACMG/AMP sequence variant interpretation guidelines (Richards et al. 2015 PMID: 25741868, with internal and published modifications).

NM_017514.5(PLXNA3):c.1746C>T (p.Asn582=)

Gene: PLXNA3 (plexin A3; plus strand). Cytogenetic location: Xq28.
Variant type: single nucleotide variant.
Coding change: c.1746C>T on transcript NM_017514.5 (MANE Select); coding-DNA position 1746, C replaced by T.
Protein change: p.Asn582=; no amino-acid change (asparagine 582 retained).
Molecular consequence: synonymous variant.
Genome position (GRCh38, 1-based): chrX:154,464,231, C>T. VCF-style: chrX-154464231-C-T. GRCh37 (hg19) VCF-style: chrX-153692574-C-T.
Identifiers: ClinVar variation 3034173 (VCV003034173.2), dbSNP rs370868352, ClinGen allele CA337316312.
Genomic context (GRCh38, chrX:154,464,231, plus strand): 5'-GCACAACGTGCCAGACCTCAGTGCGGGCGTGAGCTGCGCCTTCGAGGCGGCGGCGGAGAA[C>T]GAGGCGGTCCTGCTGCCCTCCGGTGAACTGCTCTGCCCCTCACCCTCCCTCCAGGAGCTC-3'
Protein context (NP_059984.3, residues 572-592): VSCAFEAAAE[Asn582=]EAVLLPSGEL